The following is an entry in ClinVar:

ClinVar aggregate classification (germline): Uncertain significance (1 of 4 stars; one submission).

Conditions:
FG syndrome (FGS). Identifiers: MedGen C0220769, MONDO:0002010.

Submission:

Labcorp Genetics (formerly Invitae), Labcorp
Classification: Uncertain significance for FG syndrome. Last evaluated: 2025-12-04. Review status: criteria provided, single submitter. Criteria: Invitae Variant Classification Sherloc (09022015). Collection method: clinical testing. Allele origin: germline.
Comment: This variant, c.6324_6329dup, results in the insertion of 2 amino acid(s) of the MED12 protein (p.Gln2114_Gln2115dup), but otherwise preserves the integrity of the reading frame. This variant is not present in population databases (gnomAD no frequency). This variant has not been reported in the literature in individuals affected with MED12-related conditions. In summary, the available evidence is currently insufficient to determine the role of this variant in disease. Therefore, it has been classified as a Variant of Uncertain Significance.

NM_005120.3(MED12):c.6318GCA[6] (p.Gln2115_His2116insGlnGln)

Gene: MED12 (mediator complex subunit 12; plus strand). Cytogenetic location: Xq13.1.
Variant type: Microsatellite.
Coding change: c.6318GCA[6] on transcript NM_005120.3 (MANE Select); six copies in a row of the 3-base unit GCA starting at c.6318; the reference has four copies in a row; two copies, 6 bases duplicated.
Protein change: p.Gln2115_His2116insGlnGln.
Molecular consequence: inframe insertion.
Genome position (GRCh38, 1-based): chrX:71,141,286-71,141,291, GCAGCA duplicated; duplicating any 6 consecutive bases within chrX:71,141,278-71,141,291 gives the same sequence; the position shown is the placement nearest the transcript's 3' end. VCF-style (leftmost placement, unchanged base first): chrX-71141277-A-ACAGCAG. GRCh37 (hg19) VCF-style: chrX-70361127-A-ACAGCAG.
Identifiers: ClinVar variation 2813128 (VCV002813128.3), dbSNP rs1168018409, ClinGen allele CA2694027781.
Genomic context (GRCh38, chrX:71,141,277, plus strand): 5'-TGTGTTCTTATAGCAGCAGCAGCAACAGCAACAGCAGCAGCAGCAGCAGCAGCAACAGCA[A>ACAGCAG]CAGCAGCAGCAGCAACAGCAACAACAGCAACACCAGCAGCAACAGCAGCAACAGGCGGCT-3'